The following is an entry in ClinVar:

NM_001457.4(FLNB):c.1278C>T (p.His426=)

Gene: FLNB (filamin B; plus strand). Cytogenetic location: 3p14.3.
Variant type: single nucleotide variant.
Coding change: c.1278C>T on transcript NM_001457.4 (MANE Select); coding-DNA position 1278, C replaced by T.
Protein change: p.His426=; no amino-acid change (histidine 426 retained).
Molecular consequence: synonymous variant.
Genome position (GRCh38, 1-based): chr3:58,098,841, C>T. VCF-style: chr3-58098841-C-T. GRCh37 (hg19) VCF-style: chr3-58084568-C-T.
Other names: c.1278C>T, p.His426= (NM_001164317.2, NM_001164318.2, NM_001164319.2).
Identifiers: ClinVar variation 346308 (VCV000346308.42), dbSNP rs572259451, ClinGen allele CA2467752.

ClinVar aggregate classification (germline): Benign/Likely benign. Review status: criteria provided, multiple submitters, no conflicts (2 of 4 stars). 6 submissions from 6 submitters: Benign (1); Likely benign (5). Last evaluated 2025-11-28.

Conditions:
Connective tissue disorder. Also called: Connective tissue disease. Identifiers: MedGen C0009782, MONDO:0003900.
FLNB-Related Spectrum Disorders.

Allele frequency attached by ClinVar (database versions not stated): gnomAD 0.00003; TOPMed 0.00009; 1000 Genomes Project 0.00220; 1000 Genomes Project 30x 0.00234.
gnomAD v4.1: 593 of 1,614,158 alleles (0.037%); highest among the groups gnomAD compares: South Asian, 0.5%; 4 homozygotes.

Submissions (6):

Labcorp Genetics (formerly Invitae), Labcorp
Classification: Benign. Last evaluated: 2025-11-28. Review status: criteria provided, single submitter. Criteria: Invitae Variant Classification Sherloc (09022015). Collection method: clinical testing. Allele origin: germline.

CeGaT Center for Human Genetics Tuebingen
Classification: Likely benign. Last evaluated: 2025-05-01. Review status: criteria provided, single submitter. Criteria: CeGaT Center For Human Genetics Tuebingen Variant Classification Criteria Version 2. Collection method: clinical testing. Allele origin: germline. Affected: yes. Observed: 2 variant alleles.
Comment: FLNB: BP4, BP7

Blueprint Genetics
Classification: Likely benign. Last evaluated: 2024-11-21. Review status: criteria provided, single submitter. Criteria: ACMG Guidelines, 2015. Collection method: clinical testing. Allele origin: germline.

Genome Diagnostics Laboratory, The Hospital for Sick Children
Classification: Likely benign for Connective tissue disorder. Last evaluated: 2021-09-13. Review status: criteria provided, single submitter. Criteria: ACMG Guidelines, 2015. Collection method: clinical testing. Allele origin: germline.

Illumina Laboratory Services, Illumina
Classification: Likely benign for FLNB-Related Spectrum Disorders. Last evaluated: 2018-01-13. Review status: criteria provided, single submitter. Criteria: ICSL Variant Classification Criteria 13 December 2019. Collection method: clinical testing. Allele origin: germline.
Comment: This variant was observed in the ICSL laboratory as part of a predisposition screen in an ostensibly healthy population. It had not been previously curated by ICSL or reported in the Human Gene Mutation Database (HGMD: prior to June 1st, 2018), and was therefore a candidate for classification through an automated scoring system. Utilizing variant allele frequency, disease prevalence and penetrance estimates, and inheritance mode, an automated score was calculated to assess if this variant is too frequent to cause the disease. Based on the score and internal cut-off values, a variant classified as likely benign is not then subjected to further curation. The score for this variant resulted in a classification of likely benign for this disease.

Breakthrough Genomics
Classification: Likely benign. Review status: criteria provided, single submitter. Criteria: ACMG Guidelines, 2015. Collection method: not provided. Allele origin: germline. Inheritance: Autosomal recessive inheritance. Affected: yes.